The following is an entry in ClinVar:

ClinVar aggregate classification (germline): Likely benign. Review status: criteria provided, multiple submitters, no conflicts (2 of 4 stars). 2 submissions from 2 submitters: Likely benign (2). Last evaluated 2026-05-01.

Submissions (2):

CeGaT Center for Human Genetics Tuebingen
Classification: Likely benign. Last evaluated: 2026-05-01. Review status: criteria provided, single submitter. Criteria: CeGaT Center For Human Genetics Tuebingen Variant Classification Criteria Version 2. Collection method: clinical testing. Allele origin: germline. Affected: yes. Observed: 1 variant allele.
Comment: RHOBTB2: PM2:Supporting, BP4, BP7

Labcorp Genetics (formerly Invitae), Labcorp
Classification: Likely benign. Last evaluated: 2020-11-12. Review status: criteria provided, single submitter. Criteria: Invitae Variant Classification Sherloc (09022015). Collection method: clinical testing. Allele origin: germline.

NM_015178.3(RHOBTB2):c.78T>C (p.Gly26=)

Gene: RHOBTB2 (Rho related BTB domain containing 2; plus strand). Cytogenetic location: 8p21.3.
Variant type: single nucleotide variant.
Coding change: c.78T>C on transcript NM_015178.3 (MANE Select); coding-DNA position 78, T replaced by C.
Protein change: p.Gly26=; no amino-acid change (glycine 26 retained).
Molecular consequence: synonymous variant.
Genome position (GRCh38, 1-based): chr8:23,004,512, T>C. VCF-style: chr8-23004512-T-C. GRCh37 (hg19) VCF-style: chr8-22862025-T-C.
Other names: c.144T>C, p.Gly48= (NM_001160036.2); c.99T>C, p.Gly33= (NM_001160037.2); c.78T>C, p.Gly26= (NM_001374791.1).
Identifiers: ClinVar variation 1990467 (VCV001990467.5), dbSNP rs2486993153, ClinGen allele CA459948198.
Genomic context (GRCh38, chr8:23,004,512, plus strand): 5'-TTATGAAAGGCCAAACGTAGAGACCATCAAGTGCGTTGTGGTGGGGGACAACGCCGTGGG[T>C]AAGACCAGGCTCATCTGTGCCCGCGCTTGCAATGCCACCCTCACCCAGTACCAGCTGCTG-3'
Protein context (NP_055993.2, residues 16-36): KCVVVGDNAV[Gly26=]KTRLICARAC